The following is an entry in ClinVar:

ClinVar aggregate classification (germline): Uncertain significance. Review status: criteria provided, multiple submitters, no conflicts (2 of 4 stars). 2 submissions from 2 submitters: Uncertain significance (2). Last evaluated 2025-08-24.

Conditions:
Multiple gastrointestinal atresias. Also called: FAMILIAL INTESTINAL POLYATRESIA SYNDROME; Multiple intestinal atresia. Identifiers: Orphanet 2300, MedGen C0220744, MONDO:0009465.
Inborn genetic diseases. Identifiers: MedGen C0950123, MeSH D030342.

Allele frequency attached by ClinVar (database versions not stated): gnomAD exomes 0.00001; ExAC 0.00003.
gnomAD v4.1: 9 of 1,611,126 alleles (0.00056%); highest among the groups gnomAD compares: South Asian, 0.0088%; no homozygotes.

Submissions (2):

Ambry Genetics
Classification: Uncertain significance for Inborn genetic diseases. Last evaluated: 2025-08-24. Review status: criteria provided, single submitter. Criteria: Ambry Variant Classification Scheme 2023. Collection method: clinical testing. Allele origin: germline.

Labcorp Genetics (formerly Invitae), Labcorp
Classification: Uncertain significance for Multiple gastrointestinal atresias. Last evaluated: 2024-03-11. Review status: criteria provided, single submitter. Criteria: Invitae Variant Classification Sherloc (09022015). Collection method: clinical testing. Allele origin: germline.
Comment: This sequence change replaces glutamic acid, which is acidic and polar, with valine, which is neutral and non-polar, at codon 686 of the TTC7A protein (p.Glu686Val). This variant is present in population databases (rs775654592, gnomAD 0.02%). This variant has not been reported in the literature in individuals affected with TTC7A-related conditions. ClinVar contains an entry for this variant (Variation ID: 2141048). Advanced modeling of protein sequence and biophysical properties (such as structural, functional, and spatial information, amino acid conservation, physicochemical variation, residue mobility, and thermodynamic stability) performed at Invitae indicates that this missense variant is expected to disrupt TTC7A protein function with a positive predictive value of 80%. In summary, the available evidence is currently insufficient to determine the role of this variant in disease. Therefore, it has been classified as a Variant of Uncertain Significance.

NM_020458.4(TTC7A):c.2057A>T (p.Glu686Val)

Gene: TTC7A (tetratricopeptide repeat domain 7A; plus strand). Cytogenetic location: 2p21.
Variant type: single nucleotide variant.
Coding change: c.2057A>T on transcript NM_020458.4 (MANE Select); coding-DNA position 2057, A replaced by T.
Protein change: p.Glu686Val; replaces glutamic acid 686 with valine.
Molecular consequence: missense variant.
Genome position (GRCh38, 1-based): chr2:47,051,785, A>T. VCF-style: chr2-47051785-A-T. GRCh37 (hg19) VCF-style: chr2-47278924-A-T.
Other names: c.2057A>T (NM_020458.2); c.2129A>T, p.Glu710Val (NM_001288951.2); c.1955A>T, p.Glu652Val (NM_001288953.2); c.995A>T, p.Glu332Val (NM_001288955.2); short protein forms E652V, E332V, E686V, E710V.
Identifiers: ClinVar variation 2141048 (VCV002141048.4), dbSNP rs775654592, ClinGen allele CA1647997.